The following is an entry in ClinVar:

ClinVar aggregate classification (germline): Conflicting classifications of pathogenicity. Review status: criteria provided, conflicting classifications (1 of 4 stars). 3 submissions from 3 submitters: Likely pathogenic (1); Uncertain significance (1). 1 of the submissions does not count toward it. Last evaluated 2025-11-04.

Conditions:
Alstrom syndrome (ALMS). Identifiers: Orphanet 64, MedGen C0268425, MONDO:0008763, OMIM 203800.

Submissions (3):

Labcorp Genetics (formerly Invitae), Labcorp
Classification: Uncertain significance for Alstrom syndrome. Last evaluated: 2025-11-04. Review status: criteria provided, single submitter. Criteria: Invitae Variant Classification Sherloc (09022015). Collection method: clinical testing. Allele origin: germline.
Comment: This sequence change affects the initiator codon of the ALMS1 mRNA. This change may impact translation initiation or efficiency. The next in-frame methionine is located at codon 163. This variant is not present in population databases (gnomAD no frequency). This variant has not been reported in the literature in individuals affected with ALMS1-related conditions. ClinVar contains an entry for this variant (Variation ID: 551649). Experimental studies and prediction algorithms are not available or were not evaluated, and the functional significance of this variant is currently unknown. In summary, the available evidence is currently insufficient to determine the role of this variant in disease. Therefore, it has been classified as a Variant of Uncertain Significance.

Center for Precision Genome Editing and Genetic Technologies for Biomedicine, Pirogov Russian National Research Medical University
Classification: Likely pathogenic for Alstrom syndrome. Last evaluated: 2024-09-04. Review status: criteria provided, single submitter. Criteria: ACMG Guidelines, 2015. Collection method: clinical testing. Allele origin: unknown. Inheritance: Autosomal recessive inheritance. Affected: yes. Observed: 1 heterozygote.
Comment: The variant leads to the loss of the start codon and disruption of protein synthesis. Variants of this type are a known cause of disease, fulfilling the PVS1 criterion. This variant has not been detected in control samples or in patients with Alström syndrome (OMIM: 203800), meeting the PM2 criterion. Based on the applied ACMG/AMP criteria (PVS1, PM2), this variant is classified as likely pathogenic for Alström syndrome (OMIM: 203800).

Counsyl
Classification: Likely pathogenic for Alstrom syndrome. Last evaluated: 2017-04-28. Review status: no assertion criteria provided. Collection method: clinical testing. Allele origin: unknown. Not counted in ClinVar's aggregate classification.

NM_001378454.1(ALMS1):c.2T>G (p.Met1Arg)

Gene: ALMS1 (ALMS1 centrosome and basal body associated protein; plus strand). Cytogenetic location: 2p13.1.
Variant type: single nucleotide variant.
Coding change: c.2T>G on transcript NM_001378454.1 (MANE Select); coding-DNA position 2, T replaced by G.
Protein change: p.Met1Arg; changes the start codon (methionine 1).
Molecular consequence: missense variant, initiator codon variant.
Genome position (GRCh38, 1-based): chr2:73,385,870, T>G. VCF-style: chr2-73385870-T-G. GRCh37 (hg19) VCF-style: chr2-73612998-T-G.
Other names: c.2T>G, p.Met1Arg (NM_015120.4); short protein forms M1R.
Identifiers: ClinVar variation 551649 (VCV000551649.5), dbSNP rs1553396091, ClinGen allele CA347250323.